The following is an entry in ClinVar:

NM_001256545.2(MEGF10):c.2302G>A (p.Asp768Asn)

Gene: MEGF10 (multiple EGF like domains 10; plus strand). Cytogenetic location: 5q23.2.
Variant type: single nucleotide variant.
Coding change: c.2302G>A on transcript NM_001256545.2 (MANE Select); coding-DNA position 2302, G replaced by A.
Protein change: p.Asp768Asn; replaces aspartic acid 768 with asparagine.
Molecular consequence: missense variant.
Genome position (GRCh38, 1-based): chr5:127,440,807, G>A. VCF-style: chr5-127440807-G-A. GRCh37 (hg19) VCF-style: chr5-126776499-G-A.
Other names: c.2302G>A, p.Asp768Asn (NM_032446.3); short protein forms D768N.
Identifiers: ClinVar variation 2062256 (VCV002062256.2), dbSNP rs373093349, ClinGen allele CA3391897.

ClinVar aggregate classification (germline): Uncertain significance (1 of 4 stars; one submission).

Conditions:
MEGF10-related myopathy (CMYO10A). Also called: Congenital myopathy 10A, severe variant. Identifiers: Orphanet 439212, MedGen C3280679, MONDO:0013731, OMIM 614399.

Allele frequency attached by ClinVar (database versions not stated): gnomAD 0.00001; ExAC 0.00002; gnomAD exomes 0.00003; TOPMed 0.00003; ESP Exome Variant Server 0.00008.
gnomAD v4.1: 52 of 1,613,994 alleles (0.0032%); highest among the groups gnomAD compares: Admixed American, 0.0083%; no homozygotes.

Submission:

Labcorp Genetics (formerly Invitae), Labcorp
Classification: Uncertain significance for MEGF10-related myopathy. Last evaluated: 2024-12-02. Review status: criteria provided, single submitter. Criteria: Invitae Variant Classification Sherloc (09022015). Collection method: clinical testing. Allele origin: germline.
Comment: This sequence change replaces aspartic acid, which is acidic and polar, with asparagine, which is neutral and polar, at codon 768 of the MEGF10 protein (p.Asp768Asn). This variant is present in population databases (rs373093349, gnomAD 0.009%). This variant has not been reported in the literature in individuals affected with MEGF10-related conditions. ClinVar contains an entry for this variant (Variation ID: 2062256). An algorithm developed to predict the effect of missense changes on protein structure and function (PolyPhen-2) suggests that this variant¬†is likely to be tolerated. In summary, the available evidence is currently insufficient to determine the role of this variant in disease. Therefore, it has been classified as a Variant of Uncertain Significance.